The following is an entry in ClinVar:

ClinVar aggregate classification (germline): Uncertain significance (1 of 4 stars; one submission).

Allele frequency attached by ClinVar (database versions not stated): gnomAD below 0.00001 and 0.00001; gnomAD exomes 0.00001 and 0.00002; TOPMed 0.00001; ExAC 0.00003.
gnomAD v4.1: 15 of 1,608,872 alleles (0.00093%); highest among the groups gnomAD compares: Middle Eastern, 0.016%; no homozygotes.

Submission:

Labcorp Genetics (formerly Invitae), Labcorp
Classification: Uncertain significance. Last evaluated: 2025-03-14. Review status: criteria provided, single submitter. Criteria: Invitae Variant Classification Sherloc (09022015). Collection method: clinical testing. Allele origin: germline.
Comment: This sequence change replaces valine, which is neutral and non-polar, with isoleucine, which is neutral and non-polar, at codon 214 of the PITPNM3 protein (p.Val214Ile). This variant is present in population databases (rs763033856, gnomAD 0.02%). This variant has not been reported in the literature in individuals affected with PITPNM3-related conditions. ClinVar contains an entry for this variant (Variation ID: 962476). Invitae Evidence Modeling of protein sequence and biophysical properties (such as structural, functional, and spatial information, amino acid conservation, physicochemical variation, residue mobility, and thermodynamic stability) indicates that this missense variant is not expected to disrupt PITPNM3 protein function with a negative predictive value of 80%. In summary, the available evidence is currently insufficient to determine the role of this variant in disease. Therefore, it has been classified as a Variant of Uncertain Significance.

NM_031220.4(PITPNM3):c.640G>A (p.Val214Ile)

Gene: PITPNM3 (PITPNM family member 3; minus strand). Cytogenetic location: 17p13.2.
Variant type: single nucleotide variant.
Coding change: c.640G>A on transcript NM_031220.4 (MANE Select); coding-DNA position 640, G replaced by A.
Protein change: p.Val214Ile; replaces valine 214 with isoleucine.
Molecular consequence: missense variant.
Genome position (GRCh38, 1-based): chr17:6,478,684, C>T on the plus strand (G>A on the coding strand, the complement: PITPNM3 is on the minus strand). VCF-style: chr17-6478684-C-T. GRCh37 (hg19) VCF-style: chr17-6382004-C-T.
Other names: c.532G>A, p.Val178Ile (NM_001165966.2); short protein forms V178I, V214I.
Identifiers: ClinVar variation 962476 (VCV000962476.8), dbSNP rs763033856, ClinGen allele CA8329777.